The following is an entry in ClinVar:

NM_139058.3(ARX):c.664G>A (p.Gly222Ser)

Gene: ARX (aristaless related homeobox; minus strand). Cytogenetic location: Xp21.3.
Variant type: single nucleotide variant.
Coding change: c.664G>A on transcript NM_139058.3 (MANE Select); coding-DNA position 664, G replaced by A.
Protein change: p.Gly222Ser; replaces glycine 222 with serine.
Molecular consequence: missense variant.
Genome position (GRCh38, 1-based): chrX:25,013,331, C>T on the plus strand (G>A on the coding strand, the complement: ARX is on the minus strand). VCF-style: chrX-25013331-C-T. GRCh37 (hg19) VCF-style: chrX-25031448-C-T.
Other names: short protein forms G222S.
Identifiers: ClinVar variation 1044622 (VCV001044622.8), dbSNP rs1183516776, ClinGen allele CA412612706.

ClinVar aggregate classification (germline): Uncertain significance. Review status: criteria provided, multiple submitters, no conflicts (2 of 4 stars). 2 submissions from 2 submitters: Uncertain significance (2). Last evaluated 2026-02-12.

Conditions:
Intellectual disability, X-linked, with or without seizures, ARX-related. Also called: Mental retardation, X-linked 52; MENTAL RETARDATION, X-LINKED 33; MENTAL RETARDATION, X-LINKED 38; MENTAL RETARDATION, X-LINKED 43; MENTAL RETARDATION, X-LINKED 76; MENTAL RETARDATION, X-LINKED 87. Identifiers: Orphanet 777, MedGen C0796244, MONDO:0010317, OMIM 300419.
Developmental and epileptic encephalopathy, 1 (DEE1). Also called: Epileptic encephalopathy, early infantile, 1; X-linked infantile spasms; West's syndrome; Tonic spasms with clustering, arrest of psychomotor development and hypsarrhythmia on EEG; X-Linked Infantile Spasm Syndrome; OHTAHARA SYNDROME, X-LINKED. Identifiers: MedGen C3463992, MONDO:0010632, OMIM 308350. Disease mechanism: loss of function.

Allele frequency attached by ClinVar (database versions not stated): TOPMed 0.00001; gnomAD 0.00003.
gnomAD v4.1: 53 of 1,150,441 alleles (0.0046%); highest among the groups gnomAD compares: Non-Finnish European, 0.0054%; no homozygotes.

Submissions (2):

Myriad Genetics, Inc.
Classification: Uncertain significance for Intellectual disability, X-linked, with or without seizures, ARX-related. Last evaluated: 2026-02-12. Review status: criteria provided, single submitter. Criteria: Myriad Autosomal Dominant, Autosomal Recessive and X-Linked Classification Criteria (2023). Collection method: clinical testing. Allele origin: unknown.
Comment: NM_139058.2(ARX):c.664G>A(G222S) is a missense variant classified as a variant of uncertain significance in the context of ARX-related disorders. G222S has not been observed in cases with relevant disease. Relevant functional assessments of this variant are not available in the literature. G222S has been observed in referenced population frequency databases. In summary, there is insufficient evidence to classify NM_139058.2(ARX):c.664G>A(G222S) as pathogenic or benign. Please note: this variant was assessed in the context of healthy population screening.

Labcorp Genetics (formerly Invitae), Labcorp
Classification: Uncertain significance for Developmental and epileptic encephalopathy, 1; Intellectual disability, X-linked, with or without seizures, ARX-related. Last evaluated: 2026-01-17. Review status: criteria provided, single submitter. Criteria: Invitae Variant Classification Sherloc (09022015). Collection method: clinical testing. Allele origin: germline.
Comment: This sequence change replaces glycine, which is neutral and non-polar, with serine, which is neutral and polar, at codon 222 of the ARX protein (p.Gly222Ser). The frequency data for this variant in the population databases is considered unreliable, as metrics indicate poor data quality at this position in the gnomAD database. This variant has not been reported in the literature in individuals affected with ARX-related conditions. ClinVar contains an entry for this variant (Variation ID: 1044622). Invitae Evidence Modeling of protein sequence and biophysical properties (such as structural, functional, and spatial information, amino acid conservation, physicochemical variation, residue mobility, and thermodynamic stability) indicates that this missense variant is not expected to disrupt ARX protein function with a negative predictive value of 95%. In summary, the available evidence is currently insufficient to determine the role of this variant in disease. Therefore, it has been classified as a Variant of Uncertain Significance.